The following is an entry in ClinVar:

ClinVar aggregate classification (germline): Uncertain significance (1 of 4 stars; one submission).

Allele frequency attached by ClinVar (database versions not stated): gnomAD exomes below 0.00001.
gnomAD v4.1: 1 of 1,609,122 alleles (0.000062%); highest among the groups gnomAD compares: Non-Finnish European, 0.000085%; no homozygotes.

Submission:

Labcorp Genetics (formerly Invitae), Labcorp
Classification: Uncertain significance. Last evaluated: 2021-10-29. Review status: criteria provided, single submitter. Criteria: Invitae Variant Classification Sherloc (09022015). Collection method: clinical testing. Allele origin: germline.
Comment: In summary, the available evidence is currently insufficient to determine the role of this variant in disease. Therefore, it has been classified as a Variant of Uncertain Significance. Algorithms developed to predict the effect of missense changes on protein structure and function are either unavailable or do not agree on the potential impact of this missense change (SIFT: "Tolerated"; PolyPhen-2: "Probably Damaging"; Align-GVGD: "Class C0"). This variant has not been reported in the literature in individuals affected with AEBP1-related conditions. This variant is present in population databases (no rsID available, gnomAD 0.0009%). This sequence change replaces leucine, which is neutral and non-polar, with phenylalanine, which is neutral and non-polar, at codon 709 of the AEBP1 protein (p.Leu709Phe).

NM_001129.5(AEBP1):c.2125C>T (p.Leu709Phe)

Gene: AEBP1 (AE binding protein 1; plus strand). Cytogenetic location: 7p13.
Variant type: single nucleotide variant.
Coding change: c.2125C>T on transcript NM_001129.5 (MANE Select); coding-DNA position 2125, C replaced by T.
Protein change: p.Leu709Phe; replaces leucine 709 with phenylalanine.
Molecular consequence: missense variant.
Genome position (GRCh38, 1-based): chr7:44,112,229, C>T. VCF-style: chr7-44112229-C-T. GRCh37 (hg19) VCF-style: chr7-44151828-C-T.
Other names: short protein forms L709F.
Identifiers: ClinVar variation 1390143 (VCV001390143.6), dbSNP rs1170885172, ClinGen allele CA367368499.